The following is an entry in ClinVar:

NM_000088.4(COL1A1):c.1252del (p.Ser418fs)

Gene: COL1A1 (collagen type I alpha 1 chain; minus strand). Cytogenetic location: 17q21.33.
Variant type: Deletion.
Coding change: c.1252del on transcript NM_000088.4 (MANE Select); coding-DNA position 1252, one base deleted (T; older notation c.1252delT).
Protein change: p.Ser418fs; shifts the reading frame from serine 418.
Molecular consequence: frameshift variant.
Genome position (GRCh38, 1-based): chr17:50,195,279, A deleted on the plus strand (T on the coding strand, the reverse complement: COL1A1 is on the minus strand). VCF-style (leftmost placement, unchanged base first): chr17-50195278-GA-G. GRCh37 (hg19) VCF-style: chr17-48272639-GA-G.
Other names: short protein forms S418fs.
Identifiers: ClinVar variation 1209225 (VCV001209225.3), dbSNP rs2144575699, ClinGen allele CA2499224734.

ClinVar aggregate classification (germline): Pathogenic (1 of 4 stars; one submission).

Submission:

GeneDx
Classification: Pathogenic. Last evaluated: 2019-12-18. Review status: criteria provided, single submitter. Criteria: GeneDx Variant Classification Process June 2021. Collection method: clinical testing. Allele origin: germline. Affected: yes.
Comment: Frameshift variant predicted to result in protein truncation or nonsense mediated decay in a gene for which loss-of-function is a known mechanism of disease; Not observed in large population cohorts (Lek et al., 2016); Has not been previously published as pathogenic or benign to our knowledge